The following is an entry in ClinVar:

NM_001018005.2(TPM1):c.551A>G (p.Glu184Gly)

Gene: TPM1 (tropomyosin 1; plus strand). Cytogenetic location: 15q22.2.
Variant type: single nucleotide variant.
Coding change: c.551A>G on transcript NM_001018005.2 (MANE Select); coding-DNA position 551, A replaced by G.
Protein change: p.Glu184Gly; replaces glutamic acid 184 with glycine.
Molecular consequence: missense variant. On other transcripts: non-coding transcript variant (17).
Genome position (GRCh38, 1-based): chr15:63,060,927, A>G. VCF-style: chr15-63060927-A-G. GRCh37 (hg19) VCF-style: chr15-63353126-A-G.
Other names: c.551A>G, p.Glu184Gly (NM_001018007.2, NM_001018020.2, NM_001301244.2 and 20 more transcripts); c.443A>G, p.Glu148Gly (NM_001018008.2, NM_001301289.2, NM_001330344.2 and 9 more transcripts); c.677A>G, p.Glu226Gly (NM_001365778.1, NM_001407322.1, NM_001407323.1 and 1 more transcripts); short protein forms E148G, E184G, E226G.
Identifiers: ClinVar variation 4885846 (VCV004885846.2).

ClinVar aggregate classification (germline): Uncertain significance (1 of 4 stars; one submission).

Submission:

Dasa
Classification: Uncertain significance. Last evaluated: 2024-10-23. Review status: criteria provided, single submitter. Criteria: DASA Assertion Criteria. Collection method: clinical testing. Allele origin: germline.
Comment: NM_001018005.2(TPM1):c.551A>G (p.Glu184Gly) is a missense variant that results in the substitution of glutamic acid with glycine. This variant is absent from population databases. Computational prediction algorithms are consistent with a deleterious effect. The currently available literature and clinical evidence are not sufficient to establish a definitive association between this variant and the reported condition. Therefore, this variant is classified as a variant of uncertain significance.